The following is an entry in ClinVar:

NM_022893.4(BCL11A):c.1735_1741del (p.Glu579fs)

Gene: BCL11A (BCL11 transcription factor A; minus strand). Cytogenetic location: 2p16.1.
Variant type: Deletion.
Coding change: c.1735_1741del on transcript NM_022893.4 (MANE Select); coding-DNA positions 1735 to 1741, 7 bases deleted (GAGGGCC; older notation c.1735_1741delGAGGGCC).
Protein change: p.Glu579fs; shifts the reading frame from glutamic acid 579.
Molecular consequence: frameshift variant. On other transcripts: intron variant (1).
Genome position (GRCh38, 1-based): chr2:60,461,171-60,461,177, GGCCCTC deleted on the plus strand (GAGGGCC on the coding strand, the reverse complement: BCL11A is on the minus strand); deleting any 7 consecutive bases within chr2:60,461,171-60,461,181 gives the same sequence; the c. name uses the placement nearest the transcript's 3' end. VCF-style (leftmost placement, unchanged base first): chr2-60461170-TGGCCCTC-T. GRCh37 (hg19) VCF-style: chr2-60688305-TGGCCCTC-T.
Other names: c.1633_1639del, p.Glu545fs (NM_001363864.1, NM_001365609.1); c.1735_1741del, p.Glu579fs (NM_018014.4); c.630+1105_630+1111del (NM_138559.2); short protein forms E545fs, E579fs.
Identifiers: ClinVar variation 504051 (VCV000504051.2), dbSNP rs1553403049, ClinGen allele CA658795799.

ClinVar aggregate classification (germline): Pathogenic (1 of 4 stars; one submission).

Submission:

GeneDx
Classification: Pathogenic. Last evaluated: 2018-01-02. Review status: criteria provided, single submitter. Criteria: GeneDx Variant Classification (06012015). Collection method: clinical testing. Allele origin: germline. Affected: yes.
Comment: The c.1735_1741delGAGGGCC variant in the BCL11A gene has not been reported previously as a pathogenic variant nor as a benign variant, to our knowledge. The c.1735_1741delGAGGGCC variant causes a frameshift starting with codon Glutamic acid 579, changes this amino acid to a Threonine residue, and creates a premature Stop codon at position 17 of the new reading frame, denoted p.Glu579ThrfsX17. This variant is predicted to cause loss of normal protein function through protein truncation as the last 257 amino acids of the proteins are lost and replaced with 16 incorrect amino acids. The c.1735_1741delGAGGGCC variant is not observed in large population cohorts (Lek et al., 2016).